The following is an entry in ClinVar:

NM_020719.3(PRR12):c.2986_2999del (p.Gly996fs)

Gene: PRR12 (proline rich 12; plus strand). Cytogenetic location: 19q13.33.
Variant type: Deletion.
Coding change: c.2986_2999del on transcript NM_020719.3 (MANE Select); coding-DNA positions 2986 to 2999, 14 bases deleted (GGCCGGGCGTCGGG).
Protein change: p.Gly996fs; shifts the reading frame from glycine 996.
Molecular consequence: frameshift variant.
Genome position (GRCh38, 1-based): chr19:49,597,321-49,597,334, GGCCGGGCGTCGGG deleted. VCF-style (leftmost placement, unchanged base first): chr19-49597320-TGGCCGGGCGTCGGG-T. GRCh37 (hg19) VCF-style: chr19-50100577-TGGCCGGGCGTCGGG-T.
Other names: short protein forms G996fs.
Identifiers: ClinVar variation 4531234 (VCV004531234.1).

ClinVar aggregate classification (germline): Likely pathogenic (1 of 4 stars; one submission).

Conditions:
Neuroocular syndrome 1 (NOC1). Identifiers: Orphanet 659904, MedGen C5925133, MONDO:0971007, OMIM 619539.

Submission:

Juno Genomics, Hangzhou Juno Genomics, Inc
Classification: Likely pathogenic for Neuroocular syndrome 1. Review status: criteria provided, single submitter. Criteria: ACMG Guidelines, 2015. Collection method: clinical testing. Allele origin: germline. Affected: yes.
Comment: Absent from controls (or at extremely low frequency if recessive) in Genome Aggregation Database, Exome Sequencing Project, 1000 Genomes Project, or Exome Aggregation Consortium.;Null variant in a gene where loss of function (LOF) is a known mechanism of disease.